The following is an entry in ClinVar:

ClinVar aggregate classification (germline): Likely benign. Review status: criteria provided, single submitter (1 of 4 stars). 2 submissions from 2 submitters: Likely benign (1). 1 of the submissions does not count toward it. Last evaluated 2022-01-03.

Conditions:
Juvenile onset Parkinson disease 19A. Also called: PARK19; DNAJC6 Parkinson Disease. Identifiers: Orphanet 391411, MedGen C3809811, MONDO:0014231, OMIM 615528.
DNAJC6-related disorder. Also called: DNAJC6-Related Disorders; DNAJC6-related condition.

Allele frequency attached by ClinVar (database versions not stated): gnomAD exomes 0.00002; ExAC 0.00003; gnomAD 0.00009; TOPMed 0.00009; ESP Exome Variant Server 0.00015.
gnomAD v4.1: 39 of 1,614,034 alleles (0.0024%); highest among the groups gnomAD compares: African/African-American, 0.021%; no homozygotes.

Submissions (2):

Labcorp Genetics (formerly Invitae), Labcorp
Classification: Likely benign for Juvenile onset Parkinson disease 19A. Last evaluated: 2022-01-03. Review status: criteria provided, single submitter. Criteria: Invitae Variant Classification Sherloc (09022015). Collection method: clinical testing. Allele origin: germline.

PreventionGenetics, part of Exact Sciences
Classification: Likely benign for DNAJC6-related condition. Last evaluated: 2023-10-17. Review status: no assertion criteria provided. Collection method: clinical testing. Allele origin: germline. Not counted in ClinVar's aggregate classification.
Comment: This variant is classified as likely benign based on ACMG/AMP sequence variant interpretation guidelines (Richards et al. 2015 PMID: 25741868, with internal and published modifications).

NM_001256864.2(DNAJC6):c.1431C>T (p.Tyr477=)

Gene: DNAJC6 (DnaJ heat shock protein family (Hsp40) member C6; plus strand). Cytogenetic location: 1p31.3.
Variant type: single nucleotide variant.
Coding change: c.1431C>T on transcript NM_001256864.2 (MANE Select); coding-DNA position 1431, C replaced by T.
Protein change: p.Tyr477=; no amino-acid change (tyrosine 477 retained).
Molecular consequence: synonymous variant.
Genome position (GRCh38, 1-based): chr1:65,389,590, C>T. VCF-style: chr1-65389590-C-T. GRCh37 (hg19) VCF-style: chr1-65855273-C-T.
Other names: c.1221C>T, p.Tyr407= (NM_001256865.2); c.1260C>T, p.Tyr420= (NM_014787.4); c.1431C>T (NM_001256864.1).
Identifiers: ClinVar variation 2063008 (VCV002063008.6), dbSNP rs139447717, ClinGen allele CA893920.